The following is an entry in ClinVar:

NM_020919.4(ALS2):c.4515G>A (p.Trp1505Ter)

Gene: ALS2 (alsin Rho guanine nucleotide exchange factor ALS2; minus strand). Cytogenetic location: 2q33.1.
Variant type: single nucleotide variant.
Coding change: c.4515G>A on transcript NM_020919.4 (MANE Select); coding-DNA position 4515, G replaced by A.
Protein change: p.Trp1505Ter; replaces tryptophan 1505 with a stop codon.
Molecular consequence: nonsense.
Genome position (GRCh38, 1-based): chr2:201,706,911, C>T on the plus strand (G>A on the coding strand, the complement: ALS2 is on the minus strand). VCF-style: chr2-201706911-C-T. GRCh37 (hg19) VCF-style: chr2-202571634-C-T.
Other names: c.4512G>A, p.Trp1504Ter (NM_001410975.1); short protein forms W1504*, W1505*.
Identifiers: ClinVar variation 4724689 (VCV004724689.1).
Genomic context (GRCh38, chr2:201,706,911, plus strand): 5'-CACCCCAAGAAAGCCCAGGAGAGCAATATCTGGCTGCTTATTTAGTCGAAGGACACATTC[C>T]CAGTAAATGTCTTCCTCGCGATCATTATCCAAAGCATAAAGCATAAACAGCGGTGGGTAG-3'

ClinVar aggregate classification (germline): Pathogenic (1 of 4 stars; one submission).

Conditions:
Infantile-onset ascending hereditary spastic paralysis (IAHSP). Also called: Autosomal Recessive Juvenile Amyotrophic Lateral Sclerosis; Infantile-Onset Ascending Hereditary Spastic Paralysis (IAHSP). Identifiers: Orphanet 293168, MedGen C2931441, MONDO:0011797, OMIM 607225. Disease mechanism: loss of function.

Submission:

Labcorp Genetics (formerly Invitae), Labcorp
Classification: Pathogenic for Infantile-onset ascending hereditary spastic paralysis. Last evaluated: 2025-08-03. Review status: criteria provided, single submitter. Criteria: Invitae Variant Classification Sherloc (09022015). Collection method: clinical testing. Allele origin: germline.
Comment: This sequence change creates a premature translational stop signal (p.Trp1505*) in the ALS2 gene. It is expected to result in an absent or disrupted protein product. Loss-of-function variants in ALS2 are known to be pathogenic (PMID: 11586298, 24315819). This variant is not present in population databases (gnomAD no frequency). This variant has not been reported in the literature in individuals affected with ALS2-related conditions. For these reasons, this variant has been classified as Pathogenic.

Literature cited by the submitters: PubMed 11586298; PubMed 24315819.